The following is an entry in ClinVar:

NM_001161352.2(KCNMA1):c.2806A>T (p.Thr936Ser)

Genes: KCNMA1 (potassium calcium-activated channel subfamily M alpha 1; minus strand), KCNMA1-AS1 (KCNMA1 antisense RNA 1; plus strand). Cytogenetic location: 10q22.3.
Variant type: single nucleotide variant.
Coding change: c.2806A>T on transcript NM_001161352.2 (MANE Select); coding-DNA position 2806, A replaced by T.
Protein change: p.Thr936Ser; replaces threonine 936 with serine.
Molecular consequence: missense variant.
Genome position (GRCh38, 1-based): chr10:76,944,869, T>A on the plus strand (A>T on the coding strand, the complement: KCNMA1 is on the minus strand). VCF-style: chr10-76944869-T-A. GRCh37 (hg19) VCF-style: chr10-78704627-T-A.
Other names: c.2644A>T, p.Thr882Ser (NM_001014797.3, NM_001322835.2, NM_001322837.2); c.2755A>T, p.Thr919Ser (NM_001161353.2); c.2482A>T, p.Thr828Ser (NM_001271518.2); c.2641A>T, p.Thr881Ser (NM_001271519.2, NM_001322829.2, NM_001322836.2); c.2653A>T, p.Thr885Ser (NM_001322830.2); c.2632A>T, p.Thr878Ser (NM_001322832.2, NM_001410940.1, NM_002247.4); c.2179A>T, p.Thr727Ser (NM_001322838.2); short protein forms T881S, T882S, T919S, T828S, T727S, T878S, T885S, T936S.
Identifiers: ClinVar variation 3862937 (VCV003862937.1).
Genomic context (GRCh38, chr10:76,944,869, plus strand): 5'-CAAACTGCATAGATTTGATGTTGAGTGACGCCAAGATGCATTCCTTGTCCTGCAGCGAAG[T>A]ATCATCAATATTATTCTGATTGGCTGACAGGATAACGCACATGTCACAGAGGTTGATGTT-3'
Protein context (NP_001154824.1, residues 926-946): LSANQNNIDD[Thr936Ser]SLQDKECILA

ClinVar aggregate classification (germline): Uncertain significance (1 of 4 stars; one submission).

Conditions:
Inborn genetic diseases. Identifiers: MedGen C0950123, MeSH D030342.

Submission:

Ambry Genetics
Classification: Uncertain significance for Inborn genetic diseases. Last evaluated: 2024-12-13. Review status: criteria provided, single submitter. Criteria: Ambry Variant Classification Scheme 2023. Collection method: clinical testing. Allele origin: germline.
Comment: Based on insufficient or conflicting evidence, the clinical significance of this alteration remains unclear.